The following is an entry in ClinVar:

NM_001127208.3(TET2):c.1612C>G (p.Gln538Glu)

Genes: TET2 (tet methylcytosine dioxygenase 2; plus strand), TET2-AS1 (TET2 antisense RNA 1; minus strand). Cytogenetic location: 4q24.
Variant type: single nucleotide variant.
Coding change: c.1612C>G on transcript NM_001127208.3 (MANE Select); coding-DNA position 1612, C replaced by G.
Protein change: p.Gln538Glu; replaces glutamine 538 with glutamic acid.
Molecular consequence: missense variant.
Genome position (GRCh38, 1-based): chr4:105,235,554, C>G. VCF-style: chr4-105235554-C-G. GRCh37 (hg19) VCF-style: chr4-106156711-C-G.
Other names: c.1612C>G, p.Gln538Glu (NM_017628.4); short protein forms Q538E.
Identifiers: ClinVar variation 4182996 (VCV004182996.1).

ClinVar aggregate classification (germline): Uncertain significance (1 of 4 stars; one submission).

Submission:

Ambry Genetics
Classification: Uncertain significance. Last evaluated: 2025-07-28. Review status: criteria provided, single submitter. Criteria: Ambry Variant Classification Scheme 2023. Collection method: clinical testing. Allele origin: germline.
Comment: The p.Q538E variant (also known as c.1612C>G), located in coding exon 1 of the TET2 gene, results from a C to G substitution at nucleotide position 1612. The glutamine at codon 538 is replaced by glutamic acid, an amino acid with highly similar properties. This amino acid position is conserved. In addition, this alteration is predicted to be tolerated by in silico analysis. Based on the available evidence, the clinical significance of this variant remains unclear.